The following is an entry in ClinVar:

NM_000059.4(BRCA2):c.9409A>G (p.Thr3137Ala)

Gene: BRCA2 (BRCA2 DNA repair associated; plus strand). Cytogenetic location: 13q13.1.
Variant type: single nucleotide variant.
Coding change: c.9409A>G on transcript NM_000059.4 (MANE Select); coding-DNA position 9409, A replaced by G.
Protein change: p.Thr3137Ala; replaces threonine 3137 with alanine.
Molecular consequence: missense variant.
Genome position (GRCh38, 1-based): chr13:32,394,841, A>G. VCF-style: chr13-32394841-A-G. GRCh37 (hg19) VCF-style: chr13-32968978-A-G.
Other names: short protein forms T3137A.
Identifiers: ClinVar variation 232207 (VCV000232207.13), dbSNP rs746036918, ClinGen allele CA6941382.

ClinVar aggregate classification (germline): Conflicting classifications of pathogenicity. Review status: criteria provided, conflicting classifications (1 of 4 stars). 3 submissions from 3 submitters: Uncertain significance (2); Likely benign (1). Last evaluated 2025-05-16.

Conditions:
Hereditary cancer-predisposing syndrome. Also called: Hereditary Cancer Syndrome; Neoplastic Syndromes, Hereditary; Tumor predisposition; Hereditary neoplastic syndrome. Identifiers: Orphanet 140162, MedGen C0027672, MeSH D009386, MONDO:0015356.
Breast-ovarian cancer, familial, susceptibility to, 2 (BROVCA2). Also called: BRCA2 Hereditary Breast and Ovarian Cancer. Identifiers: Orphanet 145, MedGen C2675520, MONDO:0012933, OMIM 612555. Disease mechanism: loss of function.
Hereditary breast ovarian cancer syndrome. Also called: Hereditary breast and/or ovarian cancer syndrome; BRCA1- and BRCA2-Associated Hereditary Breast and Ovarian Cancer; Hereditary breast and ovarian cancer syndrome (HBOC); Hereditary breast and ovarian cancer; Hereditary breast and ovarian cancer syndrome; Breast and ovarian cancer. Identifiers: Orphanet 145, MedGen C0677776, MeSH D061325, MONDO:0003582. Disease mechanism: loss of function.

Allele frequency attached by ClinVar (database versions not stated): gnomAD 0.00001.

Submissions (3):

Ambry Genetics
Classification: Likely benign for Hereditary cancer-predisposing syndrome. Last evaluated: 2025-05-16. Review status: criteria provided, single submitter. Criteria: Ambry Variant Classification Scheme 2023. Collection method: clinical testing. Allele origin: germline.

Labcorp Genetics (formerly Invitae), Labcorp
Classification: Uncertain significance for Hereditary breast ovarian cancer syndrome. Last evaluated: 2025-05-04. Review status: criteria provided, single submitter. Criteria: Invitae Variant Classification Sherloc (09022015). Collection method: clinical testing. Allele origin: germline.
Comment: This sequence change replaces threonine, which is neutral and polar, with alanine, which is neutral and non-polar, at codon 3137 of the BRCA2 protein (p.Thr3137Ala). This variant is present in population databases (rs746036918, gnomAD 0.006%). This variant has not been reported in the literature in individuals affected with BRCA2-related conditions. ClinVar contains an entry for this variant (Variation ID: 232207). Invitae Evidence Modeling of protein sequence and biophysical properties (such as structural, functional, and spatial information, amino acid conservation, physicochemical variation, residue mobility, and thermodynamic stability) indicates that this missense variant is not expected to disrupt BRCA2 protein function with a negative predictive value of 95%. In summary, the available evidence is currently insufficient to determine the role of this variant in disease. Therefore, it has been classified as a Variant of Uncertain Significance.

All of Us Research Program, National Institutes of Health
Classification: Uncertain significance for Breast-ovarian cancer, familial, susceptibility to, 2. Last evaluated: 2023-10-06. Review status: criteria provided, single submitter. Criteria: ACMG Guidelines, 2015. Collection method: clinical testing. Allele origin: germline. Inheritance: Autosomal dominant inheritance. Observed: 1 variant allele, 1 heterozygote.
Comment: This missense variant replaces threonine with alanine at codon 3137 of the BRCA2 protein. Computational prediction is inconclusive regarding the impact of this variant on protein structure and function (internally defined REVEL score threshold 0.5 < inconclusive < 0.7, PMID: 27666373). To our knowledge, functional studies have not been reported for this variant. This variant has not been reported in individuals affected with BRCA2-related disorders in the literature. This variant has been identified in 2/282750 chromosomes in the general population by the Genome Aggregation Database (gnomAD). The available evidence is insufficient to determine the role of this variant in disease conclusively. Therefore, this variant is classified as a Variant of Uncertain Significance.

This study involves interpretation of variants in research participants for the purpose of population health screening. Participant phenotype was not available at the time of variant classification. Additional details can be found in publication PMID: 35346344, PMCID: PMC8962531